The following is an entry in ClinVar:

ClinVar aggregate classification (germline): Benign/Likely benign. Review status: criteria provided, multiple submitters, no conflicts (2 of 4 stars). 3 submissions from 3 submitters: Benign (1); Likely benign (2). Last evaluated 2025-04-11.

Conditions:
Pheochromocytoma/paraganglioma syndrome 3. Also called: Paragangliomas 3; SDHC-Related Hereditary Paraganglioma-Pheochromocytoma Syndrome (Paragangliomas 3); SDHC-Related Hereditary Paraganglioma-Pheochromocytoma Syndrome; GLOMUS TUMORS, FAMILIAL, 3. Identifiers: Orphanet 29072, MedGen C1854336, MONDO:0011544, OMIM 605373.
Gastrointestinal stromal tumor. Also called: Gastrointestinal stroma tumor; Gastrointestinal stromal tumor, somatic. Identifiers: Orphanet 44890, MedGen C0238198, MeSH D046152, MONDO:0011719, OMIM 606764, HP:0100723.
Hereditary cancer-predisposing syndrome. Also called: Neoplastic Syndromes, Hereditary; Hereditary Cancer Syndrome; Hereditary neoplastic syndrome; Tumor predisposition. Identifiers: Orphanet 140162, MedGen C0027672, MeSH D009386, MONDO:0015356.

gnomAD v4.1: 1 of 1,613,936 alleles (0.000062%); no homozygotes.

Submissions (3):

Labcorp Genetics (formerly Invitae), Labcorp
Classification: Likely benign for Pheochromocytoma/paraganglioma syndrome 3; Gastrointestinal stromal tumor. Last evaluated: 2025-04-11. Review status: criteria provided, single submitter. Criteria: Invitae Variant Classification Sherloc (09022015). Collection method: clinical testing. Allele origin: germline.

Myriad Genetics, Inc.
Classification: Benign for Pheochromocytoma/paraganglioma syndrome 3. Last evaluated: 2025-03-14. Review status: criteria provided, single submitter. Criteria: Myriad Autosomal Dominant, Autosomal Recessive and X-Linked Classification Criteria (2023). Collection method: clinical testing. Allele origin: unknown.
Comment: This variant is considered benign. This variant is a silent/synonymous amino acid change and it is not expected to impact splicing.

Ambry Genetics
Classification: Likely benign for Hereditary cancer-predisposing syndrome. Last evaluated: 2022-07-17. Review status: criteria provided, single submitter. Criteria: Ambry Variant Classification Scheme 2023. Collection method: clinical testing. Allele origin: germline.

NM_003001.5(SDHC):c.132G>A (p.Lys44=)

Gene: SDHC (succinate dehydrogenase complex subunit C; plus strand). Cytogenetic location: 1q23.3.
Variant type: single nucleotide variant.
Coding change: c.132G>A on transcript NM_003001.5 (MANE Select); coding-DNA position 132, G replaced by A.
Protein change: p.Lys44=; no amino-acid change (lysine 44 retained).
Molecular consequence: synonymous variant. On other transcripts: non-coding transcript variant (1), intron variant (4).
Genome position (GRCh38, 1-based): chr1:161,328,450, G>A. VCF-style: chr1-161328450-G-A. GRCh37 (hg19) VCF-style: chr1-161298240-G-A.
Other names: c.132G>A, p.Lys44= (NM_001035511.3, NM_001407115.1); c.75G>A, p.Lys25= (NM_001407116.1, NM_001407117.1, NM_001407121.1); c.21G>A, p.Lys7= (NM_001407119.1, NM_001407120.1); c.77+4780G>A (NM_001035512.3, NM_001278172.3, NM_001407118.1); c.21-12144G>A (NM_001035513.3).
Identifiers: ClinVar variation 1082605 (VCV001082605.13), dbSNP rs2102307834, ClinGen allele CA421408528.